The following is an entry in ClinVar:

NM_182920.2(ADAMTS9):c.226A>G (p.Ile76Val)

Genes: ADAMTS9 (ADAM metallopeptidase with thrombospondin type 1 motif 9; minus strand), ADAMTS9-AS2 (ADAMTS9 antisense RNA 2; plus strand). Cytogenetic location: 3p14.1.
Variant type: single nucleotide variant.
Coding change: c.226A>G on transcript NM_182920.2 (MANE Select); coding-DNA position 226, A replaced by G.
Protein change: p.Ile76Val; replaces isoleucine 76 with valine.
Molecular consequence: missense variant.
Genome position (GRCh38, 1-based): chr3:64,686,858, T>C on the plus strand (A>G on the coding strand, the complement: ADAMTS9 is on the minus strand). VCF-style: chr3-64686858-T-C. GRCh37 (hg19) VCF-style: chr3-64672534-T-C.
Other names: c.226A>G, p.Ile76Val (NM_001318781.2); short protein forms I76V.
Identifiers: ClinVar variation 791934 (VCV000791934.10), dbSNP rs114504955, ClinGen allele CA2481920.

ClinVar aggregate classification (germline): Benign. Review status: criteria provided, single submitter (1 of 4 stars). 2 submissions from 2 submitters: Benign (1). 1 of the submissions does not count toward it. Last evaluated 2025-12-19.

Conditions:
ADAMTS9-related disorder. Also called: ADAMTS9-related condition.

Allele frequency attached by ClinVar (database versions not stated): gnomAD exomes 0.00171; TOPMed 0.00582; gnomAD 0.00609; ESP Exome Variant Server 0.00630; 1000 Genomes Project 0.00699; 1000 Genomes Project 30x 0.00796.
gnomAD v4.1: 1,693 of 1,614,130 alleles (0.1%); highest among the groups gnomAD compares: African/African-American, 2%; 17 homozygotes.

Submissions (2):

Labcorp Genetics (formerly Invitae), Labcorp
Classification: Benign. Last evaluated: 2025-12-19. Review status: criteria provided, single submitter. Criteria: Invitae Variant Classification Sherloc (09022015). Collection method: clinical testing. Allele origin: germline.

PreventionGenetics, part of Exact Sciences
Classification: Benign for ADAMTS9-related condition. Last evaluated: 2019-08-14. Review status: no assertion criteria provided. Collection method: clinical testing. Allele origin: germline. Not counted in ClinVar's aggregate classification.
Comment: This variant is classified as benign based on ACMG/AMP sequence variant interpretation guidelines (Richards et al. 2015 PMID: 25741868, with internal and published modifications).